The following is an entry in ClinVar:

ClinVar aggregate classification (germline): Uncertain significance. Review status: criteria provided, multiple submitters, no conflicts (2 of 4 stars). 4 submissions from 4 submitters: Uncertain significance (4). Last evaluated 2024-09-06.

Conditions:
Inborn genetic diseases. Identifiers: MedGen C0950123, MeSH D030342.

Allele frequency attached by ClinVar (database versions not stated): ExAC 0.00001.
gnomAD v4.1: 1 of 1,614,064 alleles (0.000062%); highest among the groups gnomAD compares: Non-Finnish European, 0.000085%; no homozygotes.

Submissions (4):

Mayo Clinic Laboratories, Mayo Clinic
Classification: Uncertain significance. Last evaluated: 2024-09-06. Review status: criteria provided, single submitter. Criteria: ACMG Guidelines, 2015. Collection method: clinical testing. Allele origin: germline. Observed: 1 variant allele.
Comment: PP3, PM2_supporting

Ambry Genetics
Classification: Uncertain significance for Inborn genetic diseases. Last evaluated: 2023-12-20. Review status: criteria provided, single submitter. Criteria: Ambry Variant Classification Scheme 2023. Collection method: clinical testing. Allele origin: germline.

Labcorp Genetics (formerly Invitae), Labcorp
Classification: Uncertain significance. Last evaluated: 2021-08-23. Review status: criteria provided, single submitter. Criteria: Invitae Variant Classification Sherloc (09022015). Collection method: clinical testing. Allele origin: germline.
Comment: This sequence change replaces cysteine with tyrosine at codon 80 of the MME protein (p.Cys80Tyr). The cysteine residue is highly conserved and there is a large physicochemical difference between cysteine and tyrosine. This variant is present in population databases (rs754813027, ExAC 0.001%). This variant has not been reported in the literature in individuals affected with MME-related conditions. Algorithms developed to predict the effect of missense changes on protein structure and function are either unavailable or do not agree on the potential impact of this missense change (SIFT: "Deleterious"; PolyPhen-2: "Probably Damaging"; Align-GVGD: "Class C0"). In summary, the available evidence is currently insufficient to determine the role of this variant in disease. Therefore, it has been classified as a Variant of Uncertain Significance.

GeneDx
Classification: Uncertain significance. Last evaluated: 2020-03-09. Review status: criteria provided, single submitter. Criteria: GeneDx Variant Classification Process June 2021. Collection method: clinical testing. Allele origin: germline. Affected: yes.
Comment: Not observed at a significant frequency in large population cohorts (Lek et al., 2016); In silico analysis supports that this missense variant has a deleterious effect on protein structure/function; Has not been previously published as pathogenic or benign to our knowledge

NM_007289.4(MME):c.239G>A (p.Cys80Tyr)

Gene: MME (membrane metalloendopeptidase; plus strand). Cytogenetic location: 3q25.2.
Variant type: single nucleotide variant.
Coding change: c.239G>A on transcript NM_007289.4 (MANE Select); coding-DNA position 239, G replaced by A.
Protein change: p.Cys80Tyr; replaces cysteine 80 with tyrosine.
Molecular consequence: missense variant.
Genome position (GRCh38, 1-based): chr3:155,115,036, G>A. VCF-style: chr3-155115036-G-A. GRCh37 (hg19) VCF-style: chr3-154832825-G-A.
Other names: p.Cys80Tyr; c.239G>A, p.Cys80Tyr (NM_000902.5, NM_001354642.2, NM_001354643.1 and 2 more transcripts); c.239G>A (NM_007289.3); short protein forms C80Y.
Identifiers: ClinVar variation 1193349 (VCV001193349.8), dbSNP rs754813027, ClinGen allele CA2675084.